The following is an entry in ClinVar:

ClinVar aggregate classification (germline): Uncertain significance (1 of 4 stars; one submission).

Submission:

GeneDx
Classification: Uncertain significance. Last evaluated: 2022-12-22. Review status: criteria provided, single submitter. Criteria: GeneDx Variant Classification Process June 2021. Collection method: clinical testing. Allele origin: germline. Affected: yes.
Comment: Not observed at significant frequency in large population cohorts (gnomAD); In silico analysis supports that this missense variant has a deleterious effect on protein structure/function; Has not been previously published as pathogenic or benign to our knowledge

NM_005027.4(PIK3R2):c.550C>T (p.Pro184Ser)

Genes: PIK3R2 (phosphoinositide-3-kinase regulatory subunit 2; plus strand), LOC130063979 (ATAC-STARR-seq lymphoblastoid silent region 10375; plus strand). Cytogenetic location: 19p13.11.
Variant type: single nucleotide variant.
Coding change: c.550C>T on transcript NM_005027.4 (MANE Select); coding-DNA position 550, C replaced by T.
Protein change: p.Pro184Ser; replaces proline 184 with serine.
Molecular consequence: missense variant. On other transcripts: non-coding transcript variant (2).
Genome position (GRCh38, 1-based): chr19:18,161,137, C>T. VCF-style: chr19-18161137-C-T. GRCh37 (hg19) VCF-style: chr19-18271947-C-T.
Other names: short protein forms P184S.
Identifiers: ClinVar variation 2506717 (VCV002506717.1), dbSNP rs2513561385, ClinGen allele CA404805155.